The following is an entry in ClinVar:

NM_020937.4(FANCM):c.5097A>T (p.Lys1699Asn)

Gene: FANCM (FA complementation group M; plus strand). Cytogenetic location: 14q21.2.
Variant type: single nucleotide variant.
Coding change: c.5097A>T on transcript NM_020937.4 (MANE Select); coding-DNA position 5097, A replaced by T.
Protein change: p.Lys1699Asn; replaces lysine 1699 with asparagine.
Molecular consequence: missense variant.
Genome position (GRCh38, 1-based): chr14:45,189,119, A>T. VCF-style: chr14-45189119-A-T. GRCh37 (hg19) VCF-style: chr14-45658322-A-T.
Other names: c.5019A>T, p.Lys1673Asn (NM_001308133.2); short protein forms K1673N, K1699N.
Identifiers: ClinVar variation 3707641 (VCV003707641.3).

ClinVar aggregate classification (germline): Uncertain significance. Review status: criteria provided, multiple submitters, no conflicts (2 of 4 stars). 2 submissions from 2 submitters: Uncertain significance (2). Last evaluated 2024-12-22.

Conditions:
Inborn genetic diseases. Identifiers: MedGen C0950123, MeSH D030342.
Fanconi anemia (FA). Also called: Fanconi's anemia. Identifiers: Orphanet 84, MedGen C0015625, MeSH D005199, MONDO:0019391.

gnomAD v4.1: 1 of 1,614,202 alleles (0.000062%); highest among the groups gnomAD compares: African/African-American, 0.0013%; no homozygotes.

Submissions (2):

Ambry Genetics
Classification: Uncertain significance for Inborn genetic diseases. Last evaluated: 2024-12-22. Review status: criteria provided, single submitter. Criteria: Ambry Variant Classification Scheme 2023. Collection method: clinical testing. Allele origin: germline.
Comment: The p.K1699N variant (also known as c.5097A>T), located in coding exon 20 of the FANCM gene, results from an A to T substitution at nucleotide position 5097. The lysine at codon 1699 is replaced by asparagine, an amino acid with similar properties. This amino acid position is conserved. In addition, this alteration is predicted to be tolerated by in silico analysis. Based on the available evidence, the clinical significance of this variant remains unclear.

Labcorp Genetics (formerly Invitae), Labcorp
Classification: Uncertain significance for Fanconi anemia. Last evaluated: 2024-09-23. Review status: criteria provided, single submitter. Criteria: Invitae Variant Classification Sherloc (09022015). Collection method: clinical testing. Allele origin: germline.
Comment: This sequence change replaces lysine, which is basic and polar, with asparagine, which is neutral and polar, at codon 1699 of the FANCM protein (p.Lys1699Asn). This variant is not present in population databases (gnomAD no frequency). This variant has not been reported in the literature in individuals affected with FANCM-related conditions. An algorithm developed to predict the effect of missense changes on protein structure and function outputs the following: PolyPhen-2: "Benign". The asparagine amino acid residue is found in multiple mammalian species, which suggests that this missense change does not adversely affect protein function. In summary, the available evidence is currently insufficient to determine the role of this variant in disease. Therefore, it has been classified as a Variant of Uncertain Significance.